The following is an entry in ClinVar:

ClinVar aggregate classification (germline): Uncertain significance (1 of 4 stars; one submission).

Conditions:
Marfan syndrome (MFS). Also called: MARFAN SYNDROME, TYPE I; Marfan syndrome type 1; Marfan's syndrome; Marfan syndrome, classic; FBN1-Related Marfan Syndrome. Identifiers: Orphanet 284963, Orphanet 558, MedGen C0024796, MONDO:0007947, OMIM 154700.

Submission:

Neuberg Centre For Genomic Medicine, NCGM
Classification: Uncertain significance for Marfan syndrome. Review status: criteria provided, single submitter. Criteria: ACMG Guidelines, 2015. Collection method: clinical testing. Allele origin: germline. Inheritance: Autosomal dominant inheritance. Affected: yes.
Comment: The missense c.6389A>Cp.Glu2130Ala variant in FBN1 gene has not been reported previously as a pathogenic variant nor as a benign variant, to our knowledge. The p.Glu2130Ala variant is novel not in any individuals in gnomAD Exomes and 1000 Genomes. This variant has not been reported to the ClinVar database. The amino acid change p.Glu2130Ala in FBN1 is predicted as conserved by GERP++ and PhyloP across 100 vertebrates. The amino acid Glu at position 2130 is changed to a Ala changing protein sequence and it might alter its composition and physico-chemical properties. For these reasons, this variant has been classified as Variant of Uncertain Significance VUS.

NM_000138.5(FBN1):c.6389A>C (p.Glu2130Ala)

Gene: FBN1 (fibrillin 1; minus strand). Cytogenetic location: 15q21.1.
Variant type: single nucleotide variant.
Coding change: c.6389A>C on transcript NM_000138.5 (MANE Select); coding-DNA position 6389, A replaced by C.
Protein change: p.Glu2130Ala; replaces glutamic acid 2130 with alanine.
Molecular consequence: missense variant.
Genome position (GRCh38, 1-based): chr15:48,437,068, T>G on the plus strand (A>C on the coding strand, the complement: FBN1 is on the minus strand). VCF-style: chr15-48437068-T-G. GRCh37 (hg19) VCF-style: chr15-48729265-T-G.
Other names: c.6389A>C, p.Glu2130Ala (NM_001406716.1); short protein forms E2130A.
Identifiers: ClinVar variation 3234950 (VCV003234950.1), dbSNP rs2505436041, ClinGen allele CA392336699.